The following is an entry in ClinVar:

ClinVar aggregate classification (germline): Uncertain significance (1 of 4 stars; one submission).

Conditions:
DYRK1B-related disorder. Also called: DYRK1B-related condition.

gnomAD v4.1: 4 of 1,539,026 alleles (0.00026%); highest among the groups gnomAD compares: Non-Finnish European, 0.00035%; no homozygotes.

Submission:

PreventionGenetics, part of Exact Sciences
Classification: Uncertain significance for DYRK1B-related condition. Last evaluated: 2025-05-25. Review status: criteria provided, single submitter. Criteria: ACMG Guidelines, 2015. Collection method: clinical testing. Allele origin: germline.
Comment: The DYRK1B c.28T>C variant is predicted to result in the amino acid substitution p.Phe10Leu. This variant was reported in a genetic study of individuals with dyslipidemia as a variant of uncertain significance (Supp. Tables 4, Dron et al. 2020. PubMed ID: 32041611). This variant has not been reported in a large population database (gnomAD), indicating this variant is rare. At this time, the clinical significance of this variant is uncertain due to the absence of conclusive functional and genetic evidence.

NM_004714.3(DYRK1B):c.28T>C (p.Phe10Leu)

Gene: DYRK1B (dual specificity tyrosine phosphorylation regulated kinase 1B; minus strand). Cytogenetic location: 19q13.2.
Variant type: single nucleotide variant.
Coding change: c.28T>C on transcript NM_004714.3 (MANE Select); coding-DNA position 28, T replaced by C.
Protein change: p.Phe10Leu; replaces phenylalanine 10 with leucine.
Molecular consequence: missense variant.
Genome position (GRCh38, 1-based): chr19:39,831,840, A>G on the plus strand (T>C on the coding strand, the complement: DYRK1B is on the minus strand). VCF-style: chr19-39831840-A-G. GRCh37 (hg19) VCF-style: chr19-40322480-A-G.
Other names: c.28T>C, p.Phe10Leu (NM_006483.3, NM_006484.3); short protein forms F10L.
Identifiers: ClinVar variation 5000656 (VCV005000656.1).